The following is an entry in ClinVar:

NM_000138.5(FBN1):c.6351C>T (p.Ile2117=)

Gene: FBN1 (fibrillin 1; minus strand). Cytogenetic location: 15q21.1.
Variant type: single nucleotide variant.
Coding change: c.6351C>T on transcript NM_000138.5 (MANE Select); coding-DNA position 6351, C replaced by T.
Protein change: p.Ile2117=; no amino-acid change (isoleucine 2117 retained).
Molecular consequence: synonymous variant.
Genome position (GRCh38, 1-based): chr15:48,437,350, G>A on the plus strand (C>T on the coding strand, the complement: FBN1 is on the minus strand). VCF-style: chr15-48437350-G-A. GRCh37 (hg19) VCF-style: chr15-48729547-G-A.
Other names: c.6351C>T, p.Ile2117= (NM_001406716.1).
Identifiers: ClinVar variation 4758129 (VCV004758129.1).

ClinVar aggregate classification (germline): Uncertain significance (1 of 4 stars; one submission).

Conditions:
Familial thoracic aortic aneurysm and aortic dissection (TAAD). Also called: Thoracic aortic aneurysms and dissections. Identifiers: Orphanet 91387, MedGen C4707243, MONDO:0019625.

Submission:

Color Diagnostics, LLC DBA Color Health
Classification: Uncertain significance for Familial thoracic aortic aneurysm and aortic dissection. Last evaluated: 2025-10-03. Review status: criteria provided, single submitter. Criteria: ACMG Guidelines, 2015. Collection method: clinical testing. Allele origin: germline.
Comment: This variant is located in the FBN1 protein. To our knowledge, functional studies have not been reported for this variant. This variant has not been reported in individuals affected with FBN1-related disorders in the literature. This variant has not been identified in the general population by the Genome Aggregation Database (gnomAD). The available evidence is insufficient to determine the role of this variant in disease conclusively. Therefore, this variant is classified as a Variant of Uncertain Significance.